The following is an entry in ClinVar:

NM_000548.5(TSC2):c.2223T>G (p.Leu741=)

Gene: TSC2 (TSC complex subunit 2; plus strand). Cytogenetic location: 16p13.3.
Variant type: single nucleotide variant.
Coding change: c.2223T>G on transcript NM_000548.5 (MANE Select); coding-DNA position 2223, T replaced by G.
Protein change: p.Leu741=; no amino-acid change (leucine 741 retained).
Molecular consequence: synonymous variant. On other transcripts: non-coding transcript variant (5).
Genome position (GRCh38, 1-based): chr16:2,072,851, T>G. VCF-style: chr16-2072851-T-G. GRCh37 (hg19) VCF-style: chr16-2122852-T-G.
Other names: c.2223T>G, p.Leu741= (NM_001077183.3, NM_001114382.3, NM_001363528.2 and 6 more transcripts); c.2112T>G, p.Leu704= (NM_001318827.2, NM_001406670.1, NM_001406678.1); c.2076T>G, p.Leu692= (NM_001318829.2, NM_001406675.1, NM_001406676.1 and 1 more transcripts); c.1623T>G, p.Leu541= (NM_001318831.2, NM_001406680.1, NM_001406682.1 and 6 more transcripts); c.2256T>G, p.Leu752= (NM_001318832.2); c.2313T>G, p.Leu771= (NM_001406667.1, NM_001406668.1); c.2211T>G, p.Leu737= (NM_001406671.1, NM_001406673.1); c.2166T>G, p.Leu722= (NM_001406677.1); and 3 more.
Identifiers: ClinVar variation 3642671 (VCV003642671.3).

ClinVar aggregate classification (germline): Conflicting classifications of pathogenicity. Review status: criteria provided, conflicting classifications (1 of 4 stars). 2 submissions from 2 submitters: Uncertain significance (1); Likely benign (1). Last evaluated 2025-01-06.

Conditions:
Hereditary cancer-predisposing syndrome. Also called: Hereditary neoplastic syndrome; Hereditary Cancer Syndrome; Neoplastic Syndromes, Hereditary; Tumor predisposition. Identifiers: Orphanet 140162, MedGen C0027672, MeSH D009386, MONDO:0015356.
Tuberous sclerosis 2 (TSC2). Identifiers: Orphanet 805, MedGen C1860707, MONDO:0013199, OMIM 613254.

Submissions (2):

Ambry Genetics
Classification: Likely benign for Hereditary cancer-predisposing syndrome. Last evaluated: 2025-01-06. Review status: criteria provided, single submitter. Criteria: Ambry Variant Classification Scheme 2023. Collection method: clinical testing. Allele origin: germline.

Labcorp Genetics (formerly Invitae), Labcorp
Classification: Uncertain significance for Tuberous sclerosis 2. Last evaluated: 2024-02-22. Review status: criteria provided, single submitter. Criteria: Invitae Variant Classification Sherloc (09022015). Collection method: clinical testing. Allele origin: germline.
Comment: This sequence change affects codon 741 of the TSC2 mRNA. It is a 'silent' change, meaning that it does not change the encoded amino acid sequence of the TSC2 protein. This variant is not present in population databases (gnomAD no frequency). This variant has not been reported in the literature in individuals affected with TSC2-related conditions. Algorithms developed to predict the effect of sequence changes on RNA splicing suggest that this variant may disrupt the consensus splice site. In summary, the available evidence is currently insufficient to determine the role of this variant in disease. Therefore, it has been classified as a Variant of Uncertain Significance.